The following is an entry in ClinVar:

ClinVar aggregate classification (germline): Uncertain significance. Review status: criteria provided, multiple submitters, no conflicts (2 of 4 stars). 3 submissions from 3 submitters: Uncertain significance (3). Last evaluated 2025-06-18.

Conditions:
Tuberous sclerosis 2 (TSC2). Identifiers: Orphanet 805, MedGen C1860707, MONDO:0013199, OMIM 613254.
Isolated focal cortical dysplasia type II (FCORD2). Also called: Focal cortical dysplasia type II; CORTICAL DYSPLASIA OF TAYLOR. Identifiers: Orphanet 268994, MedGen C1846385, MONDO:0011818, OMIM 607341, HP:0032051.
Lymphangiomyomatosis (LAM). Also called: Lymphangioleiomyomatosis, somatic; Lymphangioleiomyomatosis. Identifiers: Orphanet 538, MedGen C0751674, MONDO:0011705, OMIM 606690.

Submissions (3):

GeneDx
Classification: Uncertain significance. Last evaluated: 2025-06-18. Review status: criteria provided, single submitter. Criteria: GeneDx Variant Classification Process June 2021. Collection method: clinical testing. Allele origin: germline. Affected: yes.
Comment: Not observed at significant frequency in large population cohorts (gnomAD); In silico analysis suggests that this variant does not alter splicing; Has not been previously published as pathogenic or benign to our knowledge

Labcorp Genetics (formerly Invitae), Labcorp
Classification: Uncertain significance for Tuberous sclerosis 2. Last evaluated: 2025-04-23. Review status: criteria provided, single submitter. Criteria: Invitae Variant Classification Sherloc (09022015). Collection method: clinical testing. Allele origin: germline.
Comment: This sequence change falls in intron 35 of the TSC2 gene. It does not directly change the encoded amino acid sequence of the TSC2 protein. It affects a nucleotide within the consensus splice site. This variant is not present in population databases (gnomAD no frequency). This variant has not been reported in the literature in individuals affected with TSC2-related conditions. ClinVar contains an entry for this variant (Variation ID: 959355). Variants that disrupt the consensus splice site are a relatively common cause of aberrant splicing (PMID: 17576681, 9536098). Algorithms developed to predict the effect of sequence changes on RNA splicing suggest that this variant may disrupt the consensus splice site. In summary, the available evidence is currently insufficient to determine the role of this variant in disease. Therefore, it has been classified as a Variant of Uncertain Significance.

Fulgent Genetics
Classification: Uncertain significance for Lymphangiomyomatosis; Isolated focal cortical dysplasia type II; Tuberous sclerosis 2. Last evaluated: 2021-09-22. Review status: criteria provided, single submitter. Criteria: ACMG Guidelines, 2015. Collection method: clinical testing. Allele origin: unknown.

Literature cited by the submitters: PubMed 17576681 (cited by Labcorp Genetics (formerly Invitae), Labcorp); PubMed 9536098 (cited by Labcorp Genetics (formerly Invitae), Labcorp).

NM_000548.5(TSC2):c.4569+3A>G

Gene: TSC2 (TSC complex subunit 2; plus strand). Cytogenetic location: 16p13.3.
Variant type: single nucleotide variant.
Coding change: c.4569+3A>G on transcript NM_000548.5 (MANE Select); 3 bases into the intron after coding-DNA position 4569, A replaced by G.
Molecular consequence: intron variant.
Genome position (GRCh38, 1-based): chr16:2,085,029, A>G. VCF-style: chr16-2085029-A-G. GRCh37 (hg19) VCF-style: chr16-2135030-A-G.
Other names: c.4500+3A>G (NM_001114382.3); c.4440+3A>G (NM_021055.3, NM_001370405.1); c.4371+3A>G (NM_001363528.2); c.4437+3A>G (NM_001370404.1); c.4368+3A>G (NM_001077183.3); c.4260+3A>G (NM_001318827.2); c.3837+3A>G (NM_001318831.2); c.4224+3A>G (NM_001318829.2); and 1 more.
Identifiers: ClinVar variation 959355 (VCV000959355.10), dbSNP rs2090590453, ClinGen allele CA1139664286.